The following is an entry in ClinVar:

ClinVar aggregate classification (germline): Uncertain significance (1 of 4 stars; one submission).

Submission:

Labcorp Genetics (formerly Invitae), Labcorp
Classification: Uncertain significance. Last evaluated: 2025-05-04. Review status: criteria provided, single submitter. Criteria: Invitae Variant Classification Sherloc (09022015). Collection method: clinical testing. Allele origin: germline.
Comment: This sequence change replaces alanine, which is neutral and non-polar, with valine, which is neutral and non-polar, at codon 760 of the MSH3 protein (p.Ala760Val). This variant is not present in population databases (gnomAD no frequency). This variant has not been reported in the literature in individuals affected with MSH3-related conditions. ClinVar contains an entry for this variant (Variation ID: 859554). An algorithm developed to predict the effect of missense changes on protein structure and function (PolyPhen-2) suggests that this variant is likely to be tolerated. Algorithms developed to predict the effect of sequence changes on RNA splicing suggest that this variant may disrupt the consensus splice site. In summary, the available evidence is currently insufficient to determine the role of this variant in disease. Therefore, it has been classified as a Variant of Uncertain Significance.

NM_002439.5(MSH3):c.2279C>T (p.Ala760Val)

Gene: MSH3 (mutS homolog 3; plus strand). Cytogenetic location: 5q14.1.
Variant type: single nucleotide variant.
Coding change: c.2279C>T on transcript NM_002439.5 (MANE Select); coding-DNA position 2279, C replaced by T.
Protein change: p.Ala760Val; replaces alanine 760 with valine.
Molecular consequence: missense variant.
Genome position (GRCh38, 1-based): chr5:80,775,719, C>T. VCF-style: chr5-80775719-C-T. GRCh37 (hg19) VCF-style: chr5-80071538-C-T.
Other names: short protein forms A760V.
Identifiers: ClinVar variation 859554 (VCV000859554.9), dbSNP rs1580042050, ClinGen allele CA360280791.
Genomic context (GRCh38, chr5:80,775,719, plus strand): 5'-TTATCTAAATCTCTGTTTATTTGTATTTGTTTTAGTTTATGATAGAAATAAAGAACTCTG[C>T]TGTATCTTGTATACCAACTGATTGGGTAAAGGTTGGAAGGTAGGTTTAAAATAAATTTTT-3'
Protein context (NP_002430.3, residues 750-770): QEFMIEIKNS[Ala760Val]VSCIPTDWVK